The following is an entry in ClinVar:

ClinVar aggregate classification (germline): Likely pathogenic (1 of 4 stars; one submission).

Conditions:
Neurodevelopmental disorder with dysmorphic facies and thin corpus callosum. Identifiers: MedGen C5551361, MONDO:0859179, OMIM 619480.

Submission:

3billion
Classification: Likely pathogenic for Neurodevelopmental disorder with dysmorphic facies and thin corpus callosum. Last evaluated: 2024-12-24. Review status: criteria provided, single submitter. Criteria: ACMG Guidelines, 2015. Collection method: clinical testing. Allele origin: germline. Affected: yes.
Comment: The variant is not observed in the gnomAD v4.1.0 dataset. Predicted Consequence/Location: Frameshift: predicted to result in a loss or disruption of normal protein function through nonsense-mediated decay (NMD) or protein truncation. Multiple pathogenic variants are reported downstream of the variant. Therefore, this variant is classified as Likely pathogenic according to the recommendation of ACMG/AMP guideline.

NM_007192.4(SUPT16H):c.1161_1164del (p.Asn388fs)

Gene: SUPT16H (SPT16 homolog, facilitates chromatin remodeling subunit; minus strand). Cytogenetic location: 14q11.2.
Variant type: Deletion.
Coding change: c.1161_1164del on transcript NM_007192.4 (MANE Select); coding-DNA positions 1161 to 1164, 4 bases deleted (TAAC; older notation c.1161_1164delTAAC).
Protein change: p.Asn388fs; shifts the reading frame from asparagine 388.
Molecular consequence: frameshift variant.
Genome position (GRCh38, 1-based): chr14:21,364,896-21,364,899, GTTA deleted on the plus strand (TAAC on the coding strand, the reverse complement: SUPT16H is on the minus strand); deleting any 4 consecutive bases within chr14:21,364,896-21,364,901 gives the same sequence; the c. name uses the placement nearest the transcript's 3' end. VCF-style (leftmost placement, unchanged base first): chr14-21364895-TGTTA-T. GRCh37 (hg19) VCF-style: chr14-21833054-TGTTA-T.
Other names: short protein forms N388fs.
Identifiers: ClinVar variation 4293064 (VCV004293064.1).